The following is an entry in ClinVar:

NM_003482.4(KMT2D):c.13440C>T (p.Ser4480=)

Gene: KMT2D (lysine methyltransferase 2D; minus strand). Cytogenetic location: 12q13.12.
Variant type: single nucleotide variant.
Coding change: c.13440C>T on transcript NM_003482.4 (MANE Select); coding-DNA position 13440, C replaced by T.
Protein change: p.Ser4480=; no amino-acid change (serine 4480 retained).
Molecular consequence: synonymous variant.
Genome position (GRCh38, 1-based): chr12:49,031,265, G>A on the plus strand (C>T on the coding strand, the complement: KMT2D is on the minus strand). VCF-style: chr12-49031265-G-A. GRCh37 (hg19) VCF-style: chr12-49425048-G-A.
Identifiers: ClinVar variation 1620516 (VCV001620516.32), dbSNP rs771288307, ClinGen allele CA6546023.
Genomic context (GRCh38, chr12:49,031,265, plus strand): 5'-CTGCTCCAGCCCAGCCAGCTTGCTGTCAATGTGCCCGTTGATCTCAGCTCGCAGCCCCTC[G>A]GACCCCCGCCCAGTGCTGAGTTGCACATTCTTTGCCCGGAGTAGCTTCTGCAAGAGCAGA-3'
Protein context (NP_003473.3, residues 4470-4490): KNVQLSTGRG[Ser4480=]EGLRAEINGH

ClinVar aggregate classification (germline): Likely benign. Review status: criteria provided, multiple submitters, no conflicts (2 of 4 stars). 2 submissions from 2 submitters: Likely benign (2). Last evaluated 2026-01-30.

Conditions:
Kabuki syndrome. Also called: NIIKAWA-KUROKI SYNDROME; Kabuki make-up syndrome. Identifiers: Orphanet 2322, MedGen C0796004, MONDO:0016512.

Allele frequency attached by ClinVar (database versions not stated): gnomAD 0.00001; gnomAD exomes 0.00001 and 0.00003; TOPMed 0.00001; ExAC 0.00004.
gnomAD v4.1: 18 of 1,613,102 alleles (0.0011%); highest among the groups gnomAD compares: East Asian, 0.0022%; no homozygotes.

Submissions (2):

Labcorp Genetics (formerly Invitae), Labcorp
Classification: Likely benign for Kabuki syndrome. Last evaluated: 2026-01-30. Review status: criteria provided, single submitter. Criteria: Invitae Variant Classification Sherloc (09022015). Collection method: clinical testing. Allele origin: germline.

CeGaT Center for Human Genetics Tuebingen
Classification: Likely benign. Last evaluated: 2023-09-01. Review status: criteria provided, single submitter. Criteria: CeGaT Center For Human Genetics Tuebingen Variant Classification Criteria Version 2. Collection method: clinical testing. Allele origin: germline. Affected: yes. Observed: 1 variant allele.
Comment: KMT2D: BP4, BP7